The following is an entry in ClinVar:

NM_001843.4(CNTN1):c.1789G>C (p.Asp597His)

Gene: CNTN1 (contactin 1; plus strand). Cytogenetic location: 12q12.
Variant type: single nucleotide variant.
Coding change: c.1789G>C on transcript NM_001843.4 (MANE Select); coding-DNA position 1789, G replaced by C.
Protein change: p.Asp597His; replaces aspartic acid 597 with histidine.
Molecular consequence: missense variant.
Genome position (GRCh38, 1-based): chr12:40,959,219, G>C. VCF-style: chr12-40959219-G-C. GRCh37 (hg19) VCF-style: chr12-41353021-G-C.
Other names: c.1789G>C, p.Asp597His (NM_001256063.2, NM_001256064.2); c.1756G>C, p.Asp586His (NM_175038.2); short protein forms D586H, D597H.
Identifiers: ClinVar variation 2201221 (VCV002201221.4), dbSNP rs1947015376, ClinGen allele CA384425422.

ClinVar aggregate classification (germline): Uncertain significance (1 of 4 stars; one submission).

Conditions:
Compton-North congenital myopathy (CMYO12). Identifiers: Orphanet 210163, MedGen C2675527, MONDO:0012929, OMIM 612540.

Allele frequency attached by ClinVar (database versions not stated): TOPMed below 0.00001.

Submission:

Labcorp Genetics (formerly Invitae), Labcorp
Classification: Uncertain significance for Compton-North congenital myopathy. Last evaluated: 2022-02-14. Review status: criteria provided, single submitter. Criteria: Invitae Variant Classification Sherloc (09022015). Collection method: clinical testing. Allele origin: germline.
Comment: This sequence change replaces aspartic acid, which is acidic and polar, with histidine, which is basic and polar, at codon 597 of the CNTN1 protein (p.Asp597His). In summary, the available evidence is currently insufficient to determine the role of this variant in disease. Therefore, it has been classified as a Variant of Uncertain Significance. Advanced modeling of protein sequence and biophysical properties (such as structural, functional, and spatial information, amino acid conservation, physicochemical variation, residue mobility, and thermodynamic stability) performed at Invitae indicates that this missense variant is not expected to disrupt CNTN1 protein function. This variant has not been reported in the literature in individuals affected with CNTN1-related conditions. This variant is not present in population databases (gnomAD no frequency).